The following is an entry in ClinVar:

ClinVar aggregate classification (germline): Uncertain significance (1 of 4 stars; one submission).

Submission:

Labcorp Genetics (formerly Invitae), Labcorp
Classification: Uncertain significance. Last evaluated: 2025-01-08. Review status: criteria provided, single submitter. Criteria: Invitae Variant Classification Sherloc (09022015). Collection method: clinical testing. Allele origin: germline.
Comment: This sequence change replaces leucine, which is neutral and non-polar, with phenylalanine, which is neutral and non-polar, at codon 1382 of the SETD5 protein (p.Leu1382Phe). This variant is not present in population databases (gnomAD no frequency). This variant has not been reported in the literature in individuals affected with SETD5-related conditions. Invitae Evidence Modeling of protein sequence and biophysical properties (such as structural, functional, and spatial information, amino acid conservation, physicochemical variation, residue mobility, and thermodynamic stability) indicates that this missense variant is not expected to disrupt SETD5 protein function with a negative predictive value of 80%. In summary, the available evidence is currently insufficient to determine the role of this variant in disease. Therefore, it has been classified as a Variant of Uncertain Significance.

NM_001080517.3(SETD5):c.4146G>C (p.Leu1382Phe)

Gene: SETD5 (SET domain containing 5; plus strand). Cytogenetic location: 3p25.3.
Variant type: single nucleotide variant.
Coding change: c.4146G>C on transcript NM_001080517.3 (MANE Select); coding-DNA position 4146, G replaced by C.
Protein change: p.Leu1382Phe; replaces leucine 1382 with phenylalanine.
Molecular consequence: missense variant.
Genome position (GRCh38, 1-based): chr3:9,475,908, G>C. VCF-style: chr3-9475908-G-C. GRCh37 (hg19) VCF-style: chr3-9517592-G-C.
Other names: c.3852G>C, p.Leu1284Phe (NM_001292043.2, NM_001349451.2); short protein forms L1284F, L1382F.
Identifiers: ClinVar variation 3667186 (VCV003667186.2).